The following is an entry in ClinVar:

ClinVar aggregate classification (germline): Uncertain significance. Review status: reviewed by expert panel (3 of 4 stars). 4 submissions from 4 submitters: Uncertain significance (1). 3 of the submissions do not count toward it. Last evaluated 2023-08-21.

Conditions:
CDH1-related diffuse gastric and lobular breast cancer syndrome. Also called: CDH1-related diffuse gastric and lobular breast cancer. Identifiers: MedGen CN311521, MONDO:0100488.
Hereditary cancer-predisposing syndrome. Also called: Tumor predisposition; Hereditary Cancer Syndrome; Neoplastic Syndromes, Hereditary; Hereditary neoplastic syndrome. Identifiers: Orphanet 140162, MedGen C0027672, MeSH D009386, MONDO:0015356.
Hereditary diffuse gastric adenocarcinoma (HDGC). Also called: DIFFUSE GASTRIC AND LOBULAR BREAST CANCER SYNDROME. Identifiers: Orphanet 26106, MedGen C1708349, MONDO:0007648, OMIM 137215.

Submissions (4):

Clingen Gastric Cancer Variant Curation Expert Panel
Classification: Uncertain significance for CDH1-related diffuse gastric and lobular breast cancer syndrome. Last evaluated: 2023-08-21. Review status: reviewed by expert panel. Criteria: ClinGen CDH1 ACMG Specifications V3.1. Collection method: curation. Allele origin: germline. Inheritance: Autosomal dominant inheritance.
Comment: The c.1613A>T (p.Asp538Val) variant is absent in the gnomAD cohort (PM2_Supporting). This variant has been reported in at least two families meeting HDGC clinical criteria (PS4_Moderate; SCV000254814.3). In summary, this variant meets criteria to be classified as a variant of uncertain significance based on the ACMG/AMP criteria applied as specified by the CDH1 Variant Curation Expert Panel (Variant Interpretation Guidelines Version 3.1): PM2_Supporting, PS4_Moderate.

Labcorp Genetics (formerly Invitae), Labcorp
Classification: Likely pathogenic for Hereditary diffuse gastric adenocarcinoma. Last evaluated: 2026-02-03. Review status: criteria provided, single submitter. Criteria: Invitae Variant Classification Sherloc (09022015). Collection method: clinical testing. Allele origin: germline. Not counted in ClinVar's aggregate classification.
Comment: This sequence change replaces aspartic acid, which is acidic and polar, with valine, which is neutral and non-polar, at codon 538 of the CDH1 protein (p.Asp538Val). This variant is not present in population databases (gnomAD no frequency). This missense change has been observed in individuals with clinical features of hereditary diffuse gastric and lobular breast cancer syndrome (external communication, internal data). ClinVar contains an entry for this variant (Variation ID: 216589). An algorithm developed to predict the effect of missense changes on protein structure and function (PolyPhen-2) suggests that this variant is likely to be disruptive. In summary, the currently available evidence indicates that the variant is pathogenic, but additional data are needed to prove that conclusively. Therefore, this variant has been classified as Likely Pathogenic.

Ambry Genetics
Classification: Pathogenic for Hereditary cancer-predisposing syndrome. Last evaluated: 2024-09-11. Review status: criteria provided, single submitter. Criteria: Ambry Variant Classification Scheme 2023. Collection method: clinical testing. Allele origin: germline. Not counted in ClinVar's aggregate classification.
Comment: The c.1613A>T variant (also known as p.D538V), located in coding exon 11 of the CDH1 gene, results from an A to T substitution at nucleotide position 1613. The aspartic acid at codon 538 is replaced by valine, an amino acid with highly dissimilar properties. This alteration has been observed in multiple individuals with a personal and/or family history that is consistent with CDH1-related disease (Ambry internal data, personal communication). This variant is considered to be rare based on population cohorts in the Genome Aggregation Database (gnomAD). This nucleotide position is highly conserved in available vertebrate species. RNA studies have demonstrated that this alteration results in abnormal splicing in the set of samples tested (Ambry internal data). This amino acid position is poorly conserved in available vertebrate species. In addition, this alteration is predicted to be tolerated by in silico analysis. Based on the supporting evidence, this variant is interpreted as a disease-causing mutation.

GeneDx
Classification: Uncertain significance. Last evaluated: 2023-12-20. Review status: criteria provided, single submitter. Criteria: GeneDx Variant Classification Process June 2021. Collection method: clinical testing. Allele origin: germline. Affected: yes. Not counted in ClinVar's aggregate classification.
Comment: Not observed at significant frequency in large population cohorts (gnomAD); In silico analysis supports that this missense variant has a deleterious effect on protein structure/function; Has not been previously published as pathogenic or benign to our knowledge; This variant is associated with the following publications: (PMID: 15235021, 22850631)

NM_004360.5(CDH1):c.1613A>T (p.Asp538Val)

Gene: CDH1 (cadherin 1; plus strand). Cytogenetic location: 16q22.1.
Variant type: single nucleotide variant.
Coding change: c.1613A>T on transcript NM_004360.5 (MANE Select); coding-DNA position 1613, A replaced by T.
Protein change: p.Asp538Val; replaces aspartic acid 538 with valine.
Molecular consequence: missense variant. On other transcripts: intron variant (1).
Genome position (GRCh38, 1-based): chr16:68,819,327, A>T. VCF-style: chr16-68819327-A-T. GRCh37 (hg19) VCF-style: chr16-68853230-A-T.
Other names: c.1613A>T (LRG_301t1); c.1430A>T, p.Asp477Val (NM_001317184.2); c.65A>T, p.Asp22Val (NM_001317185.2); c.-254-2674A>T (NM_001317186.2); short protein forms D538V, D22V, D477V.
Identifiers: ClinVar variation 216589 (VCV000216589.18), dbSNP rs863224726, ClinGen allele CA338255.